The following is an entry in ClinVar:

NC_012920.1(MT-TM):m.4429G>A

Gene: MT-TM (mitochondrially encoded tRNA methionine; plus strand).
Variant type: single nucleotide variant.
Genome position: chrM-4429-G-A.
Identifiers: ClinVar variation 689911 (VCV000689911.1), dbSNP rs1603219456, ClinGen allele CA913178123.
Genomic context (GRCh38, chrMT:4,429, plus strand): 5'-ATTCTCCGTGCCACCTATCACACCCCATCCTAAAGTAAGGTCAGCTAAATAAGCTATCGG[G>A]CCCATACCCCGAAAATGTTGGTTATACCCTTCCCGTACTAATTAATCCCCTGGCCCAACC-3'

ClinVar aggregate classification (germline): Uncertain significance (1 of 4 stars; one submission).

Conditions:
MELAS syndrome (MELAS). Also called: Juvenile myopathy, encephalopathy, lactic acidosis, stroke. Identifiers: Orphanet 550, MedGen C0162671, MONDO:0010789, OMIM 540000.

Submission:

Wong Mito Lab, Molecular and Human Genetics, Baylor College of Medicine
Classification: Uncertain significance for MELAS syndrome. Last evaluated: 2019-07-12. Review status: criteria provided, single submitter. Criteria: Modified ACMG Guidelines (Unpublished). Collection method: clinical testing. Allele origin: germline.
Comment: The NC_012920.1:m.4429G>A variant in MT-TM gene is interpreted to be a Unknown Significance variant based on the modified ACMG guidelines (unpublished). This variant meets the following evidence codes reported in the guidelines: PM7, PP7

Literature cited by the submitters: PubMed 31965079.